The following is an entry in ClinVar:

ClinVar aggregate classification (germline): Likely benign. Review status: criteria provided, multiple submitters, no conflicts (2 of 4 stars). 3 submissions from 3 submitters: Likely benign (2). 1 of the submissions does not count toward it. Last evaluated 2025-02-10.

Conditions:
Juvenile polyposis syndrome (JPS). Identifiers: Orphanet 2929, MedGen C0345893, MONDO:0017380, OMIM 174900.
Juvenile polyposis/hereditary hemorrhagic telangiectasia syndrome (JPHT). Also called: POLYPOSIS, GENERALIZED JUVENILE, WITH PULMONARY ARTERIOVENOUS MALFORMATION; TELANGIECTASIA, HEREDITARY HEMORRHAGIC, WITH JUVENILE POLYPOSIS COLI; Juvenile Polyposis Syndrome / Hereditary Hemorrhagic Telangiectasia (JPS/HHT); JP/HHT SYNDROME; JUVENILE POLYPOSIS WITH HEREDITARY HEMORRHAGIC TELANGIECTASIA. Identifiers: Orphanet 2929, MedGen C1832942, MONDO:0008278, OMIM 175050.

Allele frequency attached by ClinVar (database versions not stated): gnomAD 0.00001.
gnomAD v4.1: 29 of 1,613,318 alleles (0.0018%); highest among the groups gnomAD compares: Non-Finnish European, 0.0024%; no homozygotes.

Submissions (3):

Labcorp Genetics (formerly Invitae), Labcorp
Classification: Likely benign for Juvenile polyposis syndrome. Last evaluated: 2025-02-10. Review status: criteria provided, single submitter. Criteria: Invitae Variant Classification Sherloc (09022015). Collection method: clinical testing. Allele origin: germline.

Myriad Genetics, Inc.
Classification: Likely benign for Juvenile polyposis/hereditary hemorrhagic telangiectasia syndrome. Last evaluated: 2023-04-10. Review status: criteria provided, single submitter. Criteria: Myriad Autosomal Dominant, Autosomal Recessive and X-Linked Classification Criteria (2023). Collection method: clinical testing. Allele origin: unknown.
Comment: This variant is considered likely benign. This variant is intronic and is not expected to impact mRNA splicing.

Counsyl
Classification: Likely benign for Juvenile polyposis syndrome. Last evaluated: 2016-10-17. Review status: no assertion criteria provided. Collection method: clinical testing. Allele origin: unknown. Not counted in ClinVar's aggregate classification.

NM_005359.6(SMAD4):c.249+9T>C

Gene: SMAD4 (SMAD family member 4; plus strand). Cytogenetic location: 18q21.2.
Variant type: single nucleotide variant.
Coding change: c.249+9T>C on transcript NM_005359.6 (MANE Select); 9 bases into the intron after coding-DNA position 249, T replaced by C.
Molecular consequence: intron variant.
Genome position (GRCh38, 1-based): chr18:51,047,304, T>C. VCF-style: chr18-51047304-T-C. GRCh37 (hg19) VCF-style: chr18-48573674-T-C.
Identifiers: ClinVar variation 372022 (VCV000372022.14), dbSNP rs770523387, ClinGen allele CA16042180.